The following is an entry in ClinVar:

ClinVar aggregate classification (germline): Conflicting classifications of pathogenicity. Review status: criteria provided, conflicting classifications (1 of 4 stars). 3 submissions from 3 submitters: Uncertain significance (1); Likely benign (1). 1 of the submissions does not count toward it. Last evaluated 2026-04-23.

Conditions:
Cohen syndrome (COH1). Also called: PEPPER SYNDROME; Cutis verticis gyrata, retinitis pigmentosa, and sensorineural deafness. Identifiers: Orphanet 193, MedGen C0265223, MONDO:0008999, OMIM 216550.
VPS13B-related disorder. Also called: VPS13B-related condition.

Allele frequency attached by ClinVar (database versions not stated): gnomAD exomes below 0.00001; TOPMed 0.00001; gnomAD 0.00002.
gnomAD v4.1: 6 of 1,613,986 alleles (0.00037%); highest among the groups gnomAD compares: Admixed American, 0.0083%; no homozygotes.

Submissions (3):

PreventionGenetics, part of Exact Sciences
Classification: Uncertain significance for VPS13B-related condition. Last evaluated: 2026-04-23. Review status: criteria provided, single submitter. Criteria: ACMG Guidelines, 2015. Collection method: clinical testing. Allele origin: germline.
Comment: The VPS13B c.9816G>A variant is not predicted to result in an amino acid change (p.=). This variant is predicted to alter splicing based on available splicing prediction programs (SpliceAI, Jaganathan et al. 2019. PubMed ID: 30661751). However, the use of computer prediction programs is not equivalent to functional evidence. To our knowledge, this variant has not been reported in the literature. This variant is reported in 0.00088% of alleles in individuals of European (Non-Finnish) descent in gnomAD. At this time, the clinical significance of this variant is uncertain due to the absence of conclusive functional and genetic evidence.

Labcorp Genetics (formerly Invitae), Labcorp
Classification: Likely benign for Cohen syndrome. Last evaluated: 2024-11-05. Review status: criteria provided, single submitter. Criteria: Invitae Variant Classification Sherloc (09022015). Collection method: clinical testing. Allele origin: germline.

Natera, Inc.
Classification: Uncertain significance for Cohen syndrome. Last evaluated: 2020-09-04. Review status: no assertion criteria provided. Collection method: clinical testing. Allele origin: germline. Not counted in ClinVar's aggregate classification.

NM_152564.5(VPS13B):c.9816G>A (p.Gln3272=)

Gene: VPS13B (vacuolar protein sorting 13 homolog B; plus strand). Cytogenetic location: 8q22.2.
Variant type: single nucleotide variant.
Coding change: c.9816G>A on transcript NM_152564.5 (MANE Select); coding-DNA position 9816, G replaced by A.
Protein change: p.Gln3272=; no amino-acid change (glutamine 3272 retained).
Molecular consequence: synonymous variant.
Genome position (GRCh38, 1-based): chr8:99,835,612, G>A. VCF-style: chr8-99835612-G-A. GRCh37 (hg19) VCF-style: chr8-100847840-G-A.
Other names: c.9891G>A, p.Gln3297= (NM_017890.5); c.9816G>A (NM_152564.4).
Identifiers: ClinVar variation 991552 (VCV000991552.12), dbSNP rs1397608904, ClinGen allele CA462340784.